The following is an entry in ClinVar:

ClinVar aggregate classification (germline): Uncertain significance (1 of 4 stars; one submission).

Conditions:
Frontotemporal dementia and/or amyotrophic lateral sclerosis 4. Also called: FTDALS4. Identifiers: Orphanet 275872, MedGen C4225325, MONDO:0014641, OMIM 616439.

Allele frequency attached by ClinVar (database versions not stated): gnomAD exomes below 0.00001; TOPMed below 0.00001; ExAC 0.00001.
gnomAD v4.1: 5 of 1,613,984 alleles (0.00031%); highest among the groups gnomAD compares: Non-Finnish European, 0.00042%; no homozygotes.

Submission:

Labcorp Genetics (formerly Invitae), Labcorp
Classification: Uncertain significance for Frontotemporal dementia and/or amyotrophic lateral sclerosis 4. Last evaluated: 2022-04-02. Review status: criteria provided, single submitter. Criteria: Invitae Variant Classification Sherloc (09022015). Collection method: clinical testing. Allele origin: germline.
Comment: This variant is present in population databases (rs770780416, gnomAD 0.003%). In summary, the available evidence is currently insufficient to determine the role of this variant in disease. Therefore, it has been classified as a Variant of Uncertain Significance. Advanced modeling of protein sequence and biophysical properties (such as structural, functional, and spatial information, amino acid conservation, physicochemical variation, residue mobility, and thermodynamic stability) performed at Invitae indicates that this missense variant is not expected to disrupt TBK1 protein function. This variant has not been reported in the literature in individuals affected with TBK1-related conditions. This sequence change replaces methionine, which is neutral and non-polar, with valine, which is neutral and non-polar, at codon 719 of the TBK1 protein (p.Met719Val).

NM_013254.4(TBK1):c.2155A>G (p.Met719Val)

Gene: TBK1 (TANK binding kinase 1; plus strand). Cytogenetic location: 12q14.2.
Variant type: single nucleotide variant.
Coding change: c.2155A>G on transcript NM_013254.4 (MANE Select); coding-DNA position 2155, A replaced by G.
Protein change: p.Met719Val; replaces methionine 719 with valine.
Molecular consequence: missense variant.
Genome position (GRCh38, 1-based): chr12:64,501,346, A>G. VCF-style: chr12-64501346-A-G. GRCh37 (hg19) VCF-style: chr12-64895126-A-G.
Other names: short protein forms M719V.
Identifiers: ClinVar variation 2163558 (VCV002163558.4), dbSNP rs770780416, ClinGen allele CA6669281.